The following is an entry in ClinVar:

ClinVar aggregate classification (germline): Likely benign. Review status: criteria provided, multiple submitters, no conflicts (2 of 4 stars). 3 submissions from 3 submitters: Likely benign (3). Last evaluated 2025-12-11.

Allele frequency attached by ClinVar (database versions not stated): ExAC 0.00004; TOPMed 0.00009; 1000 Genomes Project 30x 0.00016; 1000 Genomes Project 0.00020; gnomAD exomes 0.00006; gnomAD 0.00009.
gnomAD v4.1: 213 of 1,613,558 alleles (0.013%); highest among the groups gnomAD compares: Non-Finnish European, 0.018%; no homozygotes.

Submissions (3):

Women's Health and Genetics/Laboratory Corporation of America, LabCorp
Classification: Likely benign. Last evaluated: 2025-12-11. Review status: criteria provided, single submitter. Criteria: LabCorp Variant Classification Summary - May 2015. Collection method: clinical testing. Allele origin: germline.

CeGaT Center for Human Genetics Tuebingen
Classification: Likely benign. Last evaluated: 2025-07-01. Review status: criteria provided, single submitter. Criteria: CeGaT Center For Human Genetics Tuebingen Variant Classification Criteria Version 2. Collection method: clinical testing. Allele origin: germline. Affected: yes. Observed: 2 variant alleles.
Comment: PYCR2: BP4, BP7

Labcorp Genetics (formerly Invitae), Labcorp
Classification: Likely benign. Last evaluated: 2025-01-06. Review status: criteria provided, single submitter. Criteria: Invitae Variant Classification Sherloc (09022015). Collection method: clinical testing. Allele origin: germline.

NM_013328.4(PYCR2):c.801G>A (p.Glu267=)

Gene: PYCR2 (pyrroline-5-carboxylate reductase 2; minus strand). Cytogenetic location: 1q42.12.
Variant type: single nucleotide variant.
Coding change: c.801G>A on transcript NM_013328.4 (MANE Select); coding-DNA position 801, G replaced by A.
Protein change: p.Glu267=; no amino-acid change (glutamic acid 267 retained).
Molecular consequence: synonymous variant.
Genome position (GRCh38, 1-based): chr1:225,920,617, C>T on the plus strand (G>A on the coding strand, the complement: PYCR2 is on the minus strand). VCF-style: chr1-225920617-C-T. GRCh37 (hg19) VCF-style: chr1-226108317-C-T.
Other names: c.579G>A, p.Glu193= (NM_001271681.2).
Identifiers: ClinVar variation 1571197 (VCV001571197.32), dbSNP rs200057700, ClinGen allele CA1420079.
Genomic context (GRCh38, chr1:225,920,617, plus strand): 5'-TAAGAGGGTCTTCTTAAGGGCAGCTGGGGAGATCTTTTCTTGGTCGGCCATGGACTGTAG[C>T]TCTCTGCAGACAAAACCCCAGAAGGATTAAAGGAAGGCAATAAACCCTGGGGCCAGAGCT-3'
Protein context (NP_037460.2, residues 257-277): AVEASCIRTR[Glu267=]LQSMADQEKI